The following is an entry in ClinVar:

NM_003738.5(PTCH2):c.1761G>A (p.Gly587=)

Gene: PTCH2 (patched 2; minus strand). Cytogenetic location: 1p34.1.
Variant type: single nucleotide variant.
Coding change: c.1761G>A on transcript NM_003738.5 (MANE Select); coding-DNA position 1761, G replaced by A.
Protein change: p.Gly587=; no amino-acid change (glycine 587 retained).
Molecular consequence: synonymous variant.
Genome position (GRCh38, 1-based): chr1:44,828,140, C>T on the plus strand (G>A on the coding strand, the complement: PTCH2 is on the minus strand). VCF-style: chr1-44828140-C-T. GRCh37 (hg19) VCF-style: chr1-45293812-C-T.
Other names: c.1761G>A, p.Gly587= (NM_001166292.2).
Identifiers: ClinVar variation 2731726 (VCV002731726.11), dbSNP rs765026448, ClinGen allele CA417562783.

ClinVar aggregate classification (germline): Likely benign. Review status: criteria provided, multiple submitters, no conflicts (2 of 4 stars). 2 submissions from 2 submitters: Likely benign (2). Last evaluated 2025-08-01.

Conditions:
Gorlin syndrome. Also called: Nevoid Basal Cell Carcinoma Syndrome; Basal cell nevus syndrome. Identifiers: Orphanet 377, MedGen C0004779, MONDO:0007187.

Submissions (2):

CeGaT Center for Human Genetics Tuebingen
Classification: Likely benign. Last evaluated: 2025-08-01. Review status: criteria provided, single submitter. Criteria: CeGaT Center For Human Genetics Tuebingen Variant Classification Criteria Version 2. Collection method: clinical testing. Allele origin: germline. Affected: yes. Observed: 2 variant alleles.
Comment: PTCH2: BP4, BP7

Labcorp Genetics (formerly Invitae), Labcorp
Classification: Likely benign for Gorlin syndrome. Last evaluated: 2024-05-06. Review status: criteria provided, single submitter. Criteria: Invitae Variant Classification Sherloc (09022015). Collection method: clinical testing. Allele origin: germline.